The following is an entry in ClinVar:

NM_205836.3(FBXO38):c.3357C>T (p.Phe1119=)

Gene: FBXO38 (F-box protein 38; plus strand). Cytogenetic location: 5q32.
Variant type: single nucleotide variant.
Coding change: c.3357C>T on transcript NM_205836.3 (MANE Select); coding-DNA position 3357, C replaced by T.
Protein change: p.Phe1119=; no amino-acid change (phenylalanine 1119 retained).
Molecular consequence: synonymous variant.
Genome position (GRCh38, 1-based): chr5:148,441,206, C>T. VCF-style: chr5-148441206-C-T. GRCh37 (hg19) VCF-style: chr5-147820769-C-T.
Other names: c.2622C>T, p.Phe874= (NM_001271723.2); c.3132C>T, p.Phe1044= (NM_030793.5).
Identifiers: ClinVar variation 706485 (VCV000706485.18), dbSNP rs577469242, ClinGen allele CA3497729.

ClinVar aggregate classification (germline): Benign/Likely benign. Review status: criteria provided, multiple submitters, no conflicts (2 of 4 stars). 3 submissions from 3 submitters: Benign (1); Likely benign (1). 1 of the submissions does not count toward it. Last evaluated 2026-03-01.

Conditions:
FBXO38-related disorder. Also called: FBXO38-related condition.
Distal hereditary motor neuropathy type 2. Identifiers: Orphanet 139525, MedGen C3711384, MeSH C580044, MONDO:0015352.

Allele frequency attached by ClinVar (database versions not stated): gnomAD below 0.00001 and 0.00004; TOPMed 0.00001; gnomAD exomes 0.00013 and 0.00020; 1000 Genomes Project 30x 0.00016; 1000 Genomes Project 0.00020; ExAC 0.00035.
gnomAD v4.1: 192 of 1,613,426 alleles (0.012%); highest among the groups gnomAD compares: South Asian, 0.19%; 6 homozygotes.

Submissions (3):

CeGaT Center for Human Genetics Tuebingen
Classification: Likely benign. Last evaluated: 2026-03-01. Review status: criteria provided, single submitter. Criteria: CeGaT Center For Human Genetics Tuebingen Variant Classification Criteria Version 2. Collection method: clinical testing. Allele origin: germline. Affected: yes. Observed: 1 variant allele.
Comment: FBXO38: BP4, BP7

Labcorp Genetics (formerly Invitae), Labcorp
Classification: Benign for Distal hereditary motor neuropathy type 2. Last evaluated: 2026-01-21. Review status: criteria provided, single submitter. Criteria: Invitae Variant Classification Sherloc (09022015). Collection method: clinical testing. Allele origin: germline.

PreventionGenetics, part of Exact Sciences
Classification: Likely benign for FBXO38-related condition. Last evaluated: 2019-02-22. Review status: no assertion criteria provided. Collection method: clinical testing. Allele origin: germline. Not counted in ClinVar's aggregate classification.
Comment: This variant is classified as likely benign based on ACMG/AMP sequence variant interpretation guidelines (Richards et al. 2015 PMID: 25741868, with internal and published modifications).